The following is an entry in ClinVar:

NM_144999.3(LRRC45):c.286_299del14

Gene: LRRC45 (leucine rich repeat containing 45; plus strand). Cytogenetic location: 17q25.3.
Variant type: Deletion.
Coding change: c.286_299del14 on transcript NM_144999.3; coding-DNA positions 286 to 299, 14 bases deleted (AACAACCTTCGGGC).
Genome position (GRCh38, 1-based): chr17:82,024,696-82,024,709, AACAACCTTCGGGC deleted; deleting any 14 consecutive bases within chr17:82,024,692-82,024,709 gives the same sequence; the c. name uses the placement nearest the transcript's 3' end. VCF-style (leftmost placement, unchanged base first): chr17-82024691-AGGGCAACAACCTTC-A. GRCh37 (hg19) VCF-style: chr17-79982567-AGGGCAACAACCTTC-A.
Identifiers: ClinVar variation 4998236 (VCV004998236.1).

ClinVar aggregate classification (germline): Uncertain significance (1 of 4 stars; one submission).

Conditions:
LRRC45-related disorder. Also called: LRRC45-related condition.

Submission:

PreventionGenetics, part of Exact Sciences
Classification: Uncertain significance for LRRC45-related condition. Last evaluated: 2024-11-15. Review status: criteria provided, single submitter. Criteria: ACMG Guidelines, 2015. Collection method: clinical testing. Allele origin: germline.
Comment: The LRRC45 c.286_299del14 variant is predicted to result in a frameshift and premature protein termination (p.Asn96Cysfs*83). To our knowledge, this variant has not been reported in the literature or in a large population database (gnomAD), indicating this variant is rare. At this time, the clinical significance of this variant is uncertain due to the absence of conclusive functional and genetic evidence.